The following is an entry in ClinVar:

ClinVar aggregate classification (germline): Uncertain significance (1 of 4 stars; one submission).

Allele frequency attached by ClinVar (database versions not stated): TOPMed below 0.00001.

Submission:

GeneDx
Classification: Uncertain significance. Last evaluated: 2019-12-30. Review status: criteria provided, single submitter. Criteria: GeneDx Variant Classification Process June 2021. Collection method: clinical testing. Allele origin: germline. Affected: yes.
Comment: Not observed in large population cohorts (Lek et al., 2016); In silico analysis, which includes protein predictors and evolutionary conservation, supports that this variant does not alter protein structure/function; Has not been previously published as pathogenic or benign to our knowledge

NM_001365999.1(SZT2):c.10220C>T (p.Ala3407Val)

Gene: SZT2 (SZT2 subunit of KICSTOR complex; plus strand). Cytogenetic location: 1p34.2.
Variant type: single nucleotide variant.
Coding change: c.10220C>T on transcript NM_001365999.1 (MANE Select); coding-DNA position 10220, C replaced by T.
Protein change: p.Ala3407Val; replaces alanine 3407 with valine.
Molecular consequence: missense variant.
Genome position (GRCh38, 1-based): chr1:43,450,401, C>T. VCF-style: chr1-43450401-C-T. GRCh37 (hg19) VCF-style: chr1-43916072-C-T.
Other names: c.10049C>T, p.Ala3350Val (NM_015284.4); short protein forms A3350V, A3407V.
Identifiers: ClinVar variation 1311625 (VCV001311625.2), dbSNP rs1656256290, ClinGen allele CA339975050.